The following is an entry in ClinVar:

NM_001854.4(COL11A1):c.3979-14A>T

Gene: COL11A1 (collagen type XI alpha 1 chain; minus strand). Cytogenetic location: 1p21.1.
Variant type: single nucleotide variant.
Coding change: c.3979-14A>T on transcript NM_001854.4 (MANE Select); 14 bases into the intron before coding-DNA position 3979, A replaced by T.
Molecular consequence: intron variant.
Genome position (GRCh38, 1-based): chr1:102,913,704, T>A on the plus strand (A>T on the coding strand, the complement: COL11A1 is on the minus strand). VCF-style: chr1-102913704-T-A. GRCh37 (hg19) VCF-style: chr1-103379260-T-A.
Other names: c.3862-14A>T (NM_001190709.2); c.4015-14A>T (NM_080629.3); c.3631-14A>T (NM_080630.4).
Identifiers: ClinVar variation 258463 (VCV000258463.46), dbSNP rs186245518, ClinGen allele CA973730.

ClinVar aggregate classification (germline): Benign/Likely benign. Review status: criteria provided, multiple submitters, no conflicts (2 of 4 stars). 12 submissions from 11 submitters: Benign (6); Likely benign (4). 2 of the submissions do not count toward it. Last evaluated 2026-09-01.

Conditions:
Fibrochondrogenesis 1 (FBCG1). Identifiers: Orphanet 2021, MedGen C3278138, MONDO:0009226, OMIM 228520.
Stickler syndrome type 2 (STL2). Also called: STICKLER SYNDROME, TYPE II; STICKLER SYNDROME, BEADED VITREOUS TYPE; STICKLER SYNDROME, VITREOUS TYPE 2; COL11A1-Related Stickler Syndrome. Identifiers: Orphanet 828, Orphanet 90654, MedGen C1858084, MONDO:0011493, OMIM 604841.

Allele frequency attached by ClinVar (database versions not stated): 1000 Genomes Project 30x 0.00297; 1000 Genomes Project 0.00300; gnomAD 0.00338; TOPMed 0.00410; ESP Exome Variant Server 0.00523.
gnomAD v4.1: 9,959 of 1,611,876 alleles (0.62%); highest among the groups gnomAD compares: South Asian, 1.5%; 65 homozygotes.

Submissions (14):

CeGaT Center for Human Genetics Tuebingen
Classification: Benign. Last evaluated: 2026-09-01. Review status: criteria provided, single submitter. Criteria: CeGaT Center For Human Genetics Tuebingen Variant Classification Criteria Version 2. Collection method: clinical testing. Allele origin: germline. Affected: yes. Observed: 23 variant alleles.
Comment: COL11A1: BS1, BS2

Women's Health and Genetics/Laboratory Corporation of America, LabCorp
Classification: Benign. Last evaluated: 2026-05-11. Review status: criteria provided, single submitter. Criteria: LabCorp Variant Classification Summary - May 2015. Collection method: clinical testing. Allele origin: germline.

Labcorp Genetics (formerly Invitae), Labcorp
Classification: Benign. Last evaluated: 2026-02-04. Review status: criteria provided, single submitter. Criteria: Invitae Variant Classification Sherloc (09022015). Collection method: clinical testing. Allele origin: germline.

ARUP Laboratories, Molecular Genetics and Genomics, ARUP Laboratories
Classification: Benign. Last evaluated: 2025-05-30. Review status: criteria provided, single submitter. Criteria: ARUP Molecular Germline Variant Investigation Process 2024. Collection method: clinical testing. Allele origin: germline.

Blueprint Genetics
Classification: Likely benign. Last evaluated: 2024-11-23. Review status: criteria provided, single submitter. Criteria: ACMG Guidelines, 2015. Collection method: clinical testing. Allele origin: germline.

Illumina Laboratory Services, Illumina
Classification: Likely benign for Stickler syndrome type 2. Last evaluated: 2018-01-12. Review status: criteria provided, single submitter. Criteria: ICSL Variant Classification Criteria 13 December 2019. Collection method: clinical testing. Allele origin: germline.
Comment: This variant was observed in the ICSL laboratory as part of a predisposition screen in an ostensibly healthy population. It had not been previously curated by ICSL or reported in the Human Gene Mutation Database (HGMD: prior to June 1st, 2018), and was therefore a candidate for classification through an automated scoring system. Utilizing variant allele frequency, disease prevalence and penetrance estimates, and inheritance mode, an automated score was calculated to assess if this variant is too frequent to cause the disease. Based on the score and internal cut-off values, a variant classified as likely benign is not then subjected to further curation. The score for this variant resulted in a classification of likely benign for this disease.

Illumina Laboratory Services, Illumina
Classification: Benign for Fibrochondrogenesis 1. Last evaluated: 2018-01-12. Review status: criteria provided, single submitter. Criteria: ICSL Variant Classification Criteria 13 December 2019. Collection method: clinical testing. Allele origin: germline.
Comment: This variant was observed in the ICSL laboratory as part of a predisposition screen in an ostensibly healthy population. It had not been previously curated by ICSL or reported in the Human Gene Mutation Database (HGMD: prior to June 1st, 2018), and was therefore a candidate for classification through an automated scoring system. Utilizing variant allele frequency, disease prevalence and penetrance estimates, and inheritance mode, an automated score was calculated to assess if this variant is too frequent to cause the disease. Based on the score and internal cut-off values, a variant classified as benign is not then subjected to further curation. The score for this variant resulted in a classification of benign for this disease.

GeneDx
Classification: Benign. Last evaluated: 2016-10-28. Review status: criteria provided, single submitter. Criteria: GeneDx Variant Classification (06012015). Collection method: clinical testing. Allele origin: germline. Affected: yes.
Comment: This variant is considered likely benign or benign based on one or more of the following criteria: it is a conservative change, it occurs at a poorly conserved position in the protein, it is predicted to be benign by multiple in silico algorithms, and/or has population frequency not consistent with disease.

Breakthrough Genomics
Classification: Likely benign. Review status: criteria provided, single submitter. Criteria: ACMG Guidelines, 2015. Collection method: not provided. Allele origin: germline. Inheritance: Autosomal recessive inheritance. Affected: yes.

PreventionGenetics, part of Exact Sciences
Classification: Likely benign. Review status: criteria provided, single submitter. Criteria: ACMG Guidelines, 2015. Collection method: clinical testing. Allele origin: germline.

Clinical Genetics, Academic Medical Center
Classification: Benign. Review status: no assertion criteria provided. Collection method: clinical testing. Allele origin: germline. Affected: yes. Study: VKGL Data-share Consensus. Not counted in ClinVar's aggregate classification.

Dr. Peter K. Rogan Lab, Western University
No classification provided (evidence only). Condition: Familial cancer of breast. Review status: no classification provided. Collection method: in vitro. Allele origin: not applicable. Functional consequence: retained intron. Not counted in ClinVar's aggregate classification.

Dr. Peter K. Rogan Lab, Western University
No classification provided (evidence only). Condition: Malignant tumor of esophagus. Review status: no classification provided. Collection method: in vitro. Allele origin: not applicable. Functional consequence: retained intron. Not counted in ClinVar's aggregate classification.

Genome Diagnostics Laboratory, Amsterdam University Medical Center
Classification: Benign. Review status: no assertion criteria provided. Collection method: clinical testing. Allele origin: germline. Affected: yes. Study: VKGL Data-share Consensus. Not counted in ClinVar's aggregate classification.